The following is an entry in ClinVar:

ClinVar aggregate classification (germline): Likely pathogenic (1 of 4 stars; one submission).

Conditions:
Autosomal recessive limb-girdle muscular dystrophy. Identifiers: Orphanet 102015, MedGen C2931907, MONDO:0015152.

Submission:

Myriad Genetics, Inc.
Classification: Likely pathogenic for Autosomal recessive limb-girdle muscular dystrophy. Last evaluated: 2019-05-01. Review status: criteria provided, single submitter. Criteria: Myriad Autosomal Dominant, Autosomal Recessive and X-Linked Classification Criteria (2023). Collection method: clinical testing. Allele origin: unknown.
Comment: NM_003494.3(DYSF):c.2959G>T(E987*) is expected to be pathogenic in the context of dysferlinopathy. This variant is predicted to lead to an abnormal or absent protein product due to the creation of a premature termination codon in DYSF, a gene where loss-of-function variants are known to be pathogenic. Please note: this variant was assessed in the context of healthy population screening.

NM_001130987.2(DYSF):c.3013G>T (p.Glu1005Ter)

Gene: DYSF (dysferlin; plus strand). Cytogenetic location: 2p13.2.
Variant type: single nucleotide variant.
Coding change: c.3013G>T on transcript NM_001130987.2 (MANE Select); coding-DNA position 3013, G replaced by T.
Protein change: p.Glu1005Ter; replaces glutamic acid 1005 with a stop codon.
Molecular consequence: nonsense.
Genome position (GRCh38, 1-based): chr2:71,570,262, G>T. VCF-style: chr2-71570262-G-T. GRCh37 (hg19) VCF-style: chr2-71797392-G-T.
Other names: c.2962G>T, p.Glu988Ter (NM_001130455.2, NM_001130983.2); c.2917G>T, p.Glu973Ter (NM_001130976.2, NM_001130977.2); c.2959G>T, p.Glu987Ter (NM_001130978.2, NM_003494.4); c.3052G>T, p.Glu1018Ter (NM_001130979.2); c.3010G>T, p.Glu1004Ter (NM_001130980.2, NM_001130981.2); c.3055G>T, p.Glu1019Ter (NM_001130982.2); c.2920G>T, p.Glu974Ter (NM_001130984.2, NM_001130986.2); c.3013G>T, p.Glu1005Ter (NM_001130985.2); short protein forms E1004*, E1005*, E1018*, E1019*, E973*, E974*, E987*, E988*.
Identifiers: ClinVar variation 983957 (VCV000983957.4), dbSNP rs763925689, ClinGen allele CA347216447.